The following is an entry in ClinVar:

ClinVar aggregate classification (germline): Uncertain significance (1 of 4 stars; one submission).

gnomAD v4.1: 6 of 1,613,142 alleles (0.00037%); highest among the groups gnomAD compares: East Asian, 0.011%; no homozygotes.

Submission:

Biesecker Lab/Clinical Genomics Section, National Institutes of Health
Classification: Uncertain significance. Last evaluated: 2013-06-24. Review status: criteria provided, single submitter. Criteria: Ng et al. (Circ Cardiovasc Genet. 2013). Collection method: research. Allele origin: unknown. Observed: 1 variant allele. Study: ClinSeq.
Comment: The study set was not selected for affection status in relation to any cancer. Pathogenicity categories were based on literature curation. See Pubmed ID:23861362 for details.

Medical sequencing

NM_133379.5(TTN):c.13978C>T (p.His4660Tyr)

Genes: TTN (titin; minus strand), LOC126806432 (CDK7 strongly-dependent group 2 enhancer GRCh37_chr2:179611985-179613184; plus strand). Cytogenetic location: 2q31.2.
Variant type: single nucleotide variant.
Coding change: c.13978C>T on transcript NM_133379.5 (MANE Plus Clinical); coding-DNA position 13978, C replaced by T.
Protein change: p.His4660Tyr; replaces histidine 4660 with tyrosine.
Molecular consequence: missense variant. On other transcripts: intron variant (6).
Genome position (GRCh38, 1-based): chr2:178,748,422, G>A on the plus strand (C>T on the coding strand, the complement: TTN is on the minus strand). VCF-style: chr2-178748422-G-A. GRCh37 (hg19) VCF-style: chr2-179613149-G-A.
Other names: c.10222+4702C>T (NM_003319.4); c.10798+4702C>T (NM_133437.4); c.10597+4702C>T (NM_133432.3); c.10360+4702C>T (NM_133378.4, NM_001256850.1); c.11311+4702C>T (NM_001267550.2); short protein forms H4660Y.
Identifiers: ClinVar variation 192052 (VCV000192052.1), dbSNP rs786205403, ClinGen allele CA238190.